The following is an entry in ClinVar:

ClinVar aggregate classification (germline): Uncertain significance. Review status: criteria provided, multiple submitters, no conflicts (2 of 4 stars). 3 submissions from 3 submitters: Uncertain significance (3). Last evaluated 2024-07-22.

Conditions:
Inborn genetic diseases. Identifiers: MedGen C0950123, MeSH D030342.
Ellis-van Creveld syndrome (EVC). Also called: MESOECTODERMAL DYSPLASIA; EVC-Related Ellis-van Creveld Syndrome; EVC2-Related Ellis-van Creveld Syndrome; Chondroectodermal dysplasia. Identifiers: Orphanet 289, MedGen C0013903, MONDO:0009162, OMIM 225500.
Curry-Hall syndrome (WAD). Also called: WEYERS ACRODENTAL DYSOSTOSIS. Identifiers: Orphanet 952, MedGen C0457013, MONDO:0008673, OMIM 193530.

Allele frequency attached by ClinVar (database versions not stated): gnomAD 0.00001; TOPMed 0.00002.
gnomAD v4.1: 14 of 1,614,164 alleles (0.00087%); highest among the groups gnomAD compares: Admixed American, 0.0033%; no homozygotes.

Submissions (3):

ARUP Laboratories, Molecular Genetics and Genomics, ARUP Laboratories
Classification: Uncertain significance. Last evaluated: 2024-07-22. Review status: criteria provided, single submitter. Criteria: ARUP Molecular Germline Variant Investigation Process 2024. Collection method: clinical testing. Allele origin: germline.
Comment: The EVC2 c.1046C>T; p.Thr349Ile variant (rs376988870), to our knowledge, is not reported in the medical literature but is reported in ClinVar (Variation ID: 2039654). This variant is absent from the Genome Aggregation Database (v2.1.1), indicating it is not a common polymorphism. Computational analyses are uncertain whether this variant is neutral or deleterious (REVEL: 0.159). Due to limited information, the clinical significance of this variant is uncertain at this time.

Ambry Genetics
Classification: Uncertain significance for Inborn genetic diseases. Last evaluated: 2023-03-06. Review status: criteria provided, single submitter. Criteria: Ambry Variant Classification Scheme 2023. Collection method: clinical testing. Allele origin: germline.

Labcorp Genetics (formerly Invitae), Labcorp
Classification: Uncertain significance for Curry-Hall syndrome; Ellis-van Creveld syndrome. Last evaluated: 2021-12-25. Review status: criteria provided, single submitter. Criteria: Invitae Variant Classification Sherloc (09022015). Collection method: clinical testing. Allele origin: germline.
Comment: This sequence change replaces threonine, which is neutral and polar, with isoleucine, which is neutral and non-polar, at codon 349 of the EVC2 protein (p.Thr349Ile). This variant is present in population databases (rs376988870, gnomAD 0.003%). This variant has not been reported in the literature in individuals affected with EVC2-related conditions. Algorithms developed to predict the effect of missense changes on protein structure and function output the following: SIFT: "Deleterious"; PolyPhen-2: "Benign"; Align-GVGD: "Class C0". The isoleucine amino acid residue is found in multiple mammalian species, which suggests that this missense change does not adversely affect protein function. In summary, the available evidence is currently insufficient to determine the role of this variant in disease. Therefore, it has been classified as a Variant of Uncertain Significance.

NM_147127.5(EVC2):c.1046C>T (p.Thr349Ile)

Gene: EVC2 (EvC ciliary complex subunit 2; minus strand). Cytogenetic location: 4p16.2.
Variant type: single nucleotide variant.
Coding change: c.1046C>T on transcript NM_147127.5 (MANE Select); coding-DNA position 1046, C replaced by T.
Protein change: p.Thr349Ile; replaces threonine 349 with isoleucine.
Molecular consequence: missense variant.
Genome position (GRCh38, 1-based): chr4:5,663,206, G>A on the plus strand (C>T on the coding strand, the complement: EVC2 is on the minus strand). VCF-style: chr4-5663206-G-A. GRCh37 (hg19) VCF-style: chr4-5664933-G-A.
Other names: c.1046C>T (NM_147127.4); c.806C>T, p.Thr269Ile (NM_001166136.2); short protein forms T269I, T349I.
Identifiers: ClinVar variation 2039654 (VCV002039654.4), dbSNP rs376988870, ClinGen allele CA91703958.
Genomic context (GRCh38, chr4:5,663,206, plus strand): 5'-GACAGAATGTCTATCATTTGGTCGTTAAGGGAAAGGTCCTCATTCACGCCATCAGCTGAG[G>A]TGAACGGCAAGGGTTCCAGCTTGCTCTCATACTGCCAAACCTTCAGGAGAATTGCGGAAA-3'
Protein context (NP_667338.3, residues 339-359): YESKLEPLPF[Thr349Ile]SADGVNEDLS